The following is an entry in ClinVar:

NM_002485.5(NBN):c.1194A>G (p.Gln398=)

Gene: NBN (nibrin; minus strand). Cytogenetic location: 8q21.3.
Variant type: single nucleotide variant.
Coding change: c.1194A>G on transcript NM_002485.5 (MANE Select); coding-DNA position 1194, A replaced by G.
Protein change: p.Gln398=; no amino-acid change (glutamine 398 retained).
Molecular consequence: synonymous variant.
Genome position (GRCh38, 1-based): chr8:89,955,486, T>C on the plus strand (A>G on the coding strand, the complement: NBN is on the minus strand). VCF-style: chr8-89955486-T-C. GRCh37 (hg19) VCF-style: chr8-90967714-T-C.
Other names: c.948A>G, p.Gln316= (NM_001024688.3).
Identifiers: ClinVar variation 386302 (VCV000386302.17), dbSNP rs200046373, ClinGen allele CA16605426.

ClinVar aggregate classification (germline): Likely benign. Review status: criteria provided, multiple submitters, no conflicts (2 of 4 stars). 6 submissions from 6 submitters: Likely benign (5). 1 of the submissions does not count toward it. Last evaluated 2025-02-13.

Conditions:
Hereditary cancer-predisposing syndrome. Also called: Neoplastic Syndromes, Hereditary; Hereditary neoplastic syndrome; Tumor predisposition; Hereditary Cancer Syndrome. Identifiers: Orphanet 140162, MedGen C0027672, MeSH D009386, MONDO:0015356.
Microcephaly, normal intelligence and immunodeficiency (NBS). Also called: BERLIN BREAKAGE SYNDROME; Immunodeficiency, microcephaly with normal intelligence; Nijmegen breakage syndrome; Microcephaly with normal intelligence immunodeficiency and lymphoreticular malignancies; Nonsyndromal microcephaly autosomal recessive with normal intelligence; Seemanova syndrome 2. Identifiers: Orphanet 647, MedGen C0398791, MONDO:0009623, OMIM 251260.

gnomAD v4.1: 3 of 1,613,682 alleles (0.00019%); highest among the groups gnomAD compares: Non-Finnish European, 0.00025%; no homozygotes.

Submissions (6):

Labcorp Genetics (formerly Invitae), Labcorp
Classification: Likely benign for Microcephaly, normal intelligence and immunodeficiency. Last evaluated: 2025-02-13. Review status: criteria provided, single submitter. Criteria: Invitae Variant Classification Sherloc (09022015). Collection method: clinical testing. Allele origin: germline.

Genome-Nilou Lab
Classification: Likely benign for Microcephaly, normal intelligence and immunodeficiency. Last evaluated: 2021-11-07. Review status: criteria provided, single submitter. Criteria: ACMG Guidelines, 2015. Collection method: clinical testing. Allele origin: germline. Affected: no.

Women's Health and Genetics/Laboratory Corporation of America, LabCorp
Classification: Likely benign. Last evaluated: 2019-08-29. Review status: criteria provided, single submitter. Criteria: LabCorp Variant Classification Summary - May 2015. Collection method: clinical testing. Allele origin: germline.

GeneDx
Classification: Likely benign. Last evaluated: 2016-05-13. Review status: criteria provided, single submitter. Criteria: GeneDx Variant Classification (06012015). Collection method: clinical testing. Allele origin: germline. Affected: yes.
Comment: This variant is considered likely benign or benign based on one or more of the following criteria: it is a conservative change, it occurs at a poorly conserved position in the protein, it is predicted to be benign by multiple in silico algorithms, and/or has population frequency not consistent with disease.

Ambry Genetics
Classification: Likely benign for Hereditary cancer-predisposing syndrome. Last evaluated: 2015-11-18. Review status: criteria provided, single submitter. Criteria: Ambry Variant Classification Scheme 2023. Collection method: clinical testing. Allele origin: germline.

Natera, Inc.
Classification: Uncertain significance for Nijmegen breakage syndrome. Last evaluated: 2020-01-24. Review status: no assertion criteria provided. Collection method: clinical testing. Allele origin: germline. Not counted in ClinVar's aggregate classification.